The following is an entry in ClinVar:

NM_002317.7(LOX):c.1003C>G (p.His335Asp)

Genes: LOX (lysyl oxidase; minus strand), SRFBP1 (serum response factor binding protein 1; plus strand). Cytogenetic location: 5q23.1.
Variant type: single nucleotide variant.
Coding change: c.1003C>G on transcript NM_002317.7 (MANE Select); coding-DNA position 1003, C replaced by G.
Protein change: p.His335Asp; replaces histidine 335 with aspartic acid.
Molecular consequence: missense variant.
Genome position (GRCh38, 1-based): chr5:122,074,045, G>C on the plus strand (C>G on the coding strand, the complement: LOX is on the minus strand). VCF-style: chr5-122074045-G-C. GRCh37 (hg19) VCF-style: chr5-121409740-G-C.
Other names: c.313C>G, p.His105Asp (NM_001178102.2); c.112C>G, p.His38Asp (NM_001317073.1); short protein forms H335D, H38D, H105D.
Identifiers: ClinVar variation 3291077 (VCV003291077.1).

ClinVar aggregate classification (germline): Uncertain significance (1 of 4 stars; one submission).

Conditions:
Cardiovascular phenotype. Identifiers: MedGen CN230736.

gnomAD v4.1: 1 of 1,613,954 alleles (0.000062%); highest among the groups gnomAD compares: Non-Finnish European, 0.000085%; no homozygotes.

Submission:

Ambry Genetics
Classification: Uncertain significance for Cardiovascular phenotype. Last evaluated: 2024-04-05. Review status: criteria provided, single submitter. Criteria: Ambry Variant Classification Scheme 2023. Collection method: clinical testing. Allele origin: germline.
Comment: The p.H335D variant (also known as c.1003C>G), located in coding exon 4 of the LOX gene, results from a C to G substitution at nucleotide position 1003. The histidine at codon 335 is replaced by aspartic acid, an amino acid with similar properties. This amino acid position is conserved. In addition, this alteration is predicted to be tolerated by in silico analysis. Based on the available evidence, the clinical significance of this variant remains unclear.